The following is an entry in ClinVar:

ClinVar aggregate classification (germline): Uncertain significance (1 of 4 stars; one submission).

Allele frequency attached by ClinVar (database versions not stated): TOPMed below 0.00001.
gnomAD v4.1: 9 of 1,614,186 alleles (0.00056%); highest among the groups gnomAD compares: South Asian, 0.0011%; no homozygotes.

Submission:

Labcorp Genetics (formerly Invitae), Labcorp
Classification: Uncertain significance. Last evaluated: 2025-02-17. Review status: criteria provided, single submitter. Criteria: Invitae Variant Classification Sherloc (09022015). Collection method: clinical testing. Allele origin: germline.
Comment: This sequence change replaces methionine, which is neutral and non-polar, with threonine, which is neutral and polar, at codon 421 of the FAT2 protein (p.Met421Thr). This variant is present in population databases (no rsID available, gnomAD 0.0009%). This variant has not been reported in the literature in individuals affected with FAT2-related conditions. ClinVar contains an entry for this variant (Variation ID: 2842535). An algorithm developed to predict the effect of missense changes on protein structure and function (PolyPhen-2) suggests that this variant is likely to be tolerated. In summary, the available evidence is currently insufficient to determine the role of this variant in disease. Therefore, it has been classified as a Variant of Uncertain Significance.

NM_001447.3(FAT2):c.1262T>C (p.Met421Thr)

Gene: FAT2 (FAT atypical cadherin 2; minus strand). Cytogenetic location: 5q33.1.
Variant type: single nucleotide variant.
Coding change: c.1262T>C on transcript NM_001447.3 (MANE Select); coding-DNA position 1262, T replaced by C.
Protein change: p.Met421Thr; replaces methionine 421 with threonine.
Molecular consequence: missense variant.
Genome position (GRCh38, 1-based): chr5:151,567,670, A>G on the plus strand (T>C on the coding strand, the complement: FAT2 is on the minus strand). VCF-style: chr5-151567670-A-G. GRCh37 (hg19) VCF-style: chr5-150947231-A-G.
Other names: short protein forms M421T.
Identifiers: ClinVar variation 2842535 (VCV002842535.3), dbSNP rs757791988, ClinGen allele CA361854892.